The following is an entry in ClinVar:

NM_005677.4(COLQ):c.905C>T (p.Pro302Leu)

Gene: COLQ (collagen like tail subunit of asymmetric acetylcholinesterase; minus strand). Cytogenetic location: 3p25.1.
Variant type: single nucleotide variant.
Coding change: c.905C>T on transcript NM_005677.4 (MANE Select); coding-DNA position 905, C replaced by T.
Protein change: p.Pro302Leu; replaces proline 302 with leucine.
Molecular consequence: missense variant.
Genome position (GRCh38, 1-based): chr3:15,458,235, G>A on the plus strand (C>T on the coding strand, the complement: COLQ is on the minus strand). VCF-style: chr3-15458235-G-A. GRCh37 (hg19) VCF-style: chr3-15499742-G-A.
Other names: c.875C>T, p.Pro292Leu (NM_080538.2); c.803C>T, p.Pro268Leu (NM_080539.4); short protein forms P268L, P292L, P302L.
Identifiers: ClinVar variation 1923931 (VCV001923931.5), dbSNP rs2470828612, ClinGen allele CA351597289.

ClinVar aggregate classification (germline): Uncertain significance (1 of 4 stars; one submission).

Conditions:
Congenital myasthenic syndrome 5. Identifiers: Orphanet 590, MedGen C1864233, MONDO:0011281, OMIM 603034.

Submission:

Labcorp Genetics (formerly Invitae), Labcorp
Classification: Uncertain significance for Congenital myasthenic syndrome 5. Last evaluated: 2022-04-06. Review status: criteria provided, single submitter. Criteria: Invitae Variant Classification Sherloc (09022015). Collection method: clinical testing. Allele origin: germline.
Comment: In summary, the available evidence is currently insufficient to determine the role of this variant in disease. Therefore, it has been classified as a Variant of Uncertain Significance. Algorithms developed to predict the effect of missense changes on protein structure and function are either unavailable or do not agree on the potential impact of this missense change (SIFT: "Tolerated"; PolyPhen-2: "Not Available"; Align-GVGD: "Class C0"). This variant has not been reported in the literature in individuals affected with COLQ-related conditions. This variant is not present in population databases (gnomAD no frequency). This sequence change replaces proline, which is neutral and non-polar, with leucine, which is neutral and non-polar, at codon 302 of the COLQ protein (p.Pro302Leu).